The following is an entry in ClinVar:

ClinVar aggregate classification (germline): Likely benign (1 of 4 stars; one submission).

gnomAD v4.1: 88 of 1,608,934 alleles (0.0055%); highest among the groups gnomAD compares: Non-Finnish European, 0.0057%; no homozygotes.

Submission:

CeGaT Center for Human Genetics Tuebingen
Classification: Likely benign. Last evaluated: 2025-07-01. Review status: criteria provided, single submitter. Criteria: CeGaT Center For Human Genetics Tuebingen Variant Classification Criteria Version 2. Collection method: clinical testing. Allele origin: germline. Affected: yes. Observed: 1 variant allele.
Comment: BICRA: BP4, BP7

NM_001394372.1(BICRA):c.1584C>T (p.Pro528=)

Gene: BICRA (BRD4 interacting chromatin remodeling complex associated protein; plus strand). Cytogenetic location: 19q13.33.
Variant type: single nucleotide variant.
Coding change: c.1584C>T on transcript NM_001394372.1 (MANE Select); coding-DNA position 1584, C replaced by T.
Protein change: p.Pro528=; no amino-acid change (proline 528 retained).
Molecular consequence: synonymous variant.
Genome position (GRCh38, 1-based): chr19:47,680,754, C>T. VCF-style: chr19-47680754-C-T. GRCh37 (hg19) VCF-style: chr19-48184011-C-T.
Other names: c.1584C>T, p.Pro528= (NM_015711.3).
Identifiers: ClinVar variation 4083952 (VCV004083952.8).